The following is an entry in ClinVar:

NC_000014.8:g.(?_99375322)_(101142891_?)dup

Genes: BCL11B (BCL11 transcription factor B; minus strand), BEGAIN (brain enriched guanylate kinase associated; minus strand), CCDC85C (coiled-coil domain containing 85C; minus strand), CCNK (cyclin K; plus strand), CYP46A1 (cytochrome P450 family 46 subfamily A member 1; plus strand) and 10 more. Cytogenetic location: 14q32.2.
Variant type: Duplication.
Identifiers: ClinVar variation 3244102 (VCV003244102.1).

ClinVar aggregate classification (germline): Uncertain significance (1 of 4 stars; one submission).

Submission:

Labcorp Genetics (formerly Invitae), Labcorp
Classification: Uncertain significance. Last evaluated: 2023-02-03. Review status: criteria provided, single submitter. Criteria: Invitae Variant Classification Sherloc (09022015). Collection method: clinical testing. Allele origin: unknown.
Comment: A copy number gain of the genomic region encompassing the full coding sequence of the BCL11B gene has been identified. The boundaries of this event are unknown as they extend beyond the assayed region for this gene and therefore may encompass additional genes. As the precise location of this event is unknown, it may be in tandem or it may be located elsewhere in the genome. This variant has not been reported in the literature in individuals affected with BCL11B-related conditions. In summary, the available evidence is currently insufficient to determine the role of this variant in disease. Therefore, it has been classified as a Variant of Uncertain Significance.